The following is an entry in ClinVar:

ClinVar aggregate classification (germline): Likely benign (1 of 4 stars; one submission).

Conditions:
Epilepsy, childhood absence, susceptibility to, 6. Identifiers: Orphanet 64280, MedGen C2749872, MONDO:0012763, OMIM 611942.

Submission:

Centre for Medical Genetics,  Mumbai
Classification: Likely benign for Epilepsy, childhood absence, susceptibility to, 6. Last evaluated: 2026-03-12. Review status: criteria provided, single submitter. Criteria: ACMG Guidelines, 2015. Collection method: provider interpretation. Allele origin: germline. Inheritance: Autosomal dominant inheritance. Affected: no. Observed: 1 variant allele, 1 heterozygote.
Comment: The variant satisfies PM2 criteria; Extremely low frequency in gnomAD population databases. The variant satisfies PVS1 criteria; Null variant in a gene where loss of function is a known mechanism of disease. However, the variant satisfies BS2 criteria.

Literature cited by the submitters: PubMed 12891677.

NM_021098.3(CACNA1H):c.3720del (p.Glu1241fs)

Gene: CACNA1H (calcium voltage-gated channel subunit alpha1 H; plus strand). Cytogenetic location: 16p13.3.
Variant type: Deletion.
Coding change: c.3720del on transcript NM_021098.3 (MANE Select); coding-DNA position 3720, one base deleted (C; older notation c.3720delC).
Protein change: p.Glu1241fs; shifts the reading frame from glutamic acid 1241.
Molecular consequence: frameshift variant.
Genome position (GRCh38, 1-based): chr16:1,209,388, C deleted; the last of 2 consecutive C bases (chr16:1,209,387-1,209,388); deleting either gives the same sequence. VCF-style (leftmost placement, unchanged base first): chr16-1209386-GC-G. GRCh37 (hg19) VCF-style: chr16-1259386-GC-G.
Other names: c.3720del, p.Glu1241fs (NM_001005407.2); short protein forms E1241fs.
Identifiers: ClinVar variation 4819439 (VCV004819439.1).